The following is an entry in ClinVar:

NM_001369.3(DNAH5):c.1240A>G (p.Asn414Asp)

Gene: DNAH5 (dynein axonemal heavy chain 5; minus strand). Cytogenetic location: 5p15.2.
Variant type: single nucleotide variant.
Coding change: c.1240A>G on transcript NM_001369.3 (MANE Select); coding-DNA position 1240, A replaced by G.
Protein change: p.Asn414Asp; replaces asparagine 414 with aspartic acid.
Molecular consequence: missense variant.
Genome position (GRCh38, 1-based): chr5:13,914,600, T>C on the plus strand (A>G on the coding strand, the complement: DNAH5 is on the minus strand). VCF-style: chr5-13914600-T-C. GRCh37 (hg19) VCF-style: chr5-13914709-T-C.
Other names: short protein forms N414D.
Identifiers: ClinVar variation 1305265 (VCV001305265.7), dbSNP rs143391709, ClinGen allele CA3204907.
Genomic context (GRCh38, chr5:13,914,600, plus strand): 5'-ATAGTATTTTTTCTTCAACAACATCCTGTGGCTGGTTCCAGATGGAAGCGGTTCCATTAT[T>C]GGTAATATAGGCTTTACATGCAGATATAATCTGATTTGTCACCTGGGATTTTCCAATAAA-3'
Protein context (NP_001360.1, residues 404-424): IISACKAYIT[Asn414Asp]NGTASIWNQP

ClinVar aggregate classification (germline): Uncertain significance. Review status: criteria provided, multiple submitters, no conflicts (2 of 4 stars). 5 submissions from 5 submitters: Uncertain significance (5). Last evaluated 2025-01-10.

Conditions:
Primary ciliary dyskinesia. Also called: Ciliary dyskinesia. Identifiers: Orphanet 244, MedGen C0008780, MONDO:0016575, HP:0012265.
DNAH5-related disorder. Also called: DNAH5-related condition.
Primary ciliary dyskinesia 3. Identifiers: Orphanet 244, MedGen C1837618, MONDO:0012085, OMIM 608644.

Allele frequency attached by ClinVar (database versions not stated): ExAC 0.00001; gnomAD exomes 0.00002 and 0.00003; gnomAD 0.00003 and 0.00004; ESP Exome Variant Server 0.00008; TOPMed 0.00008.
gnomAD v4.1: 53 of 1,613,240 alleles (0.0033%); highest among the groups gnomAD compares: Non-Finnish European, 0.0043%; no homozygotes.

Submissions (5):

Ambry Genetics
Classification: Uncertain significance for Primary ciliary dyskinesia. Last evaluated: 2025-01-10. Review status: criteria provided, single submitter. Criteria: Ambry Variant Classification Scheme 2023. Collection method: clinical testing. Allele origin: germline.

PreventionGenetics, part of Exact Sciences
Classification: Uncertain significance for DNAH5-related condition. Last evaluated: 2024-12-02. Review status: criteria provided, single submitter. Criteria: ACMG Guidelines, 2015. Collection method: clinical testing. Allele origin: germline.
Comment: The DNAH5 c.1240A>G variant is predicted to result in the amino acid substitution p.Asn414Asp. To our knowledge, this variant has not been reported in the literature. This variant is reported in 0.0047% of alleles in individuals of European (non-Finnish) descent in gnomAD. At this time, the clinical significance of this variant is uncertain due to the absence of conclusive functional and genetic evidence.

ARUP Laboratories, Molecular Genetics and Genomics, ARUP Laboratories
Classification: Uncertain significance for Primary ciliary dyskinesia 3. Last evaluated: 2024-10-31. Review status: criteria provided, single submitter. Criteria: ARUP Molecular Germline Variant Investigation Process 2024. Collection method: clinical testing. Allele origin: germline.
Comment: The DNAH5 c.1240A>G; p.Asn414Asp variant (rs143391709), to our knowledge, is not reported in the medical literature but is reported in ClinVar (Variation ID: 1305265). This variant is found in the non-Finnish European population with an allele frequency of 0.005% (6/128,810 alleles) in the Genome Aggregation Database (v2.1.1). Computational analyses predict that this variant is neutral (REVEL: 0.092). However, given the lack of clinical and functional data, the significance of this variant is uncertain at this time.

Labcorp Genetics (formerly Invitae), Labcorp
Classification: Uncertain significance for Primary ciliary dyskinesia. Last evaluated: 2021-08-24. Review status: criteria provided, single submitter. Criteria: Invitae Variant Classification Sherloc (09022015). Collection method: clinical testing. Allele origin: germline.
Comment: This sequence change replaces asparagine with aspartic acid at codon 414 of the DNAH5 protein (p.Asn414Asp). The asparagine residue is moderately conserved and there is a small physicochemical difference between asparagine and aspartic acid. This variant is present in population databases (rs143391709, ExAC 0.001%). This variant has not been reported in the literature in individuals affected with DNAH5-related conditions. Algorithms developed to predict the effect of missense changes on protein structure and function are either unavailable or do not agree on the potential impact of this missense change (SIFT: "Tolerated"; PolyPhen-2: "Possibly Damaging"; Align-GVGD: "Class C0"). In summary, the available evidence is currently insufficient to determine the role of this variant in disease. Therefore, it has been classified as a Variant of Uncertain Significance.

GeneDx
Classification: Uncertain significance. Last evaluated: 2019-04-24. Review status: criteria provided, single submitter. Criteria: GeneDx Variant Classification Process June 2021. Collection method: clinical testing. Allele origin: germline. Affected: yes.
Comment: In silico analysis, which includes protein predictors and evolutionary conservation, supports that this variant does not alter protein structure/function; Has not been previously published as pathogenic or benign to our knowledge